The following is an entry in ClinVar:

NM_001035.3(RYR2):c.12113A>C (p.Asp4038Ala)

Gene: RYR2 (ryanodine receptor 2; plus strand). Cytogenetic location: 1q43.
Variant type: single nucleotide variant.
Coding change: c.12113A>C on transcript NM_001035.3 (MANE Select); coding-DNA position 12113, A replaced by C.
Protein change: p.Asp4038Ala; replaces aspartic acid 4038 with alanine.
Molecular consequence: missense variant.
Genome position (GRCh38, 1-based): chr1:237,783,825, A>C. VCF-style: chr1-237783825-A-C. GRCh37 (hg19) VCF-style: chr1-237947125-A-C.
Other names: short protein forms D4038A.
Identifiers: ClinVar variation 4758791 (VCV004758791.1).
Genomic context (GRCh38, chr1:237,783,825, plus strand): 5'-ACATGTTCTTAAAACTAAAGGATTTGACGTCGTCTGATACTTTTAAAGAATATGACCCCG[A>C]TGGCAAGGGAGTCATTTCCAAGAGGGACTTCCACAAAGCGATGGAGAGCCATAAGCACTA-3'
Protein context (NP_001026.2, residues 4028-4048): SSDTFKEYDP[Asp4038Ala]GKGVISKRDF

ClinVar aggregate classification (germline): Uncertain significance (1 of 4 stars; one submission).

Conditions:
Cardiomyopathy (CMYO). Also called: Cardiomyopathies. Identifiers: Orphanet 167848, MedGen C0878544, MONDO:0004994, HP:0001638. Inheritance: Various modes of inheritance.

Submission:

Color Diagnostics, LLC DBA Color Health
Classification: Uncertain significance for Cardiomyopathy. Last evaluated: 2025-06-09. Review status: criteria provided, single submitter. Criteria: ACMG Guidelines, 2015. Collection method: clinical testing. Allele origin: germline.
Comment: This missense variant replaces aspartic acid with alanine at codon 4038 of the RYR2 protein. Computational prediction suggests that this variant may have deleterious impact on protein structure and function. To our knowledge, functional studies have not been reported for this variant. This variant has not been reported in individuals affected with RYR2-related disorders in the literature. This variant has not been identified in the general population by the Genome Aggregation Database (gnomAD). The available evidence is insufficient to determine the role of this variant in disease conclusively. Therefore, this variant is classified as a Variant of Uncertain Significance.